The following is an entry in ClinVar:

NM_006012.4(CLPP):c.12_33dup (p.Val12fs)

Gene: CLPP (caseinolytic mitochondrial matrix peptidase proteolytic subunit; plus strand). Cytogenetic location: 19p13.3.
Variant type: Duplication.
Coding change: c.12_33dup on transcript NM_006012.4 (MANE Select); coding-DNA positions 12 to 33, 22 bases duplicated (AATATTGGTAGGGGGGGCCCGG).
Protein change: p.Val12fs; shifts the reading frame from valine 12.
Molecular consequence: frameshift variant.
Genome position (GRCh38, 1-based): chr19:6,361,586-6,361,607, AATATTGGTAGGGGGGGCCCGG duplicated; duplicating any 22 consecutive bases within chr19:6,361,579-6,361,607 gives the same sequence; the c. name uses the placement nearest the transcript's 3' end. VCF-style (leftmost placement, unchanged base first): chr19-6361578-T-TGGCCCGGAATATTGGTAGGGGG. GRCh37 (hg19) VCF-style: chr19-6361589-T-TGGCCCGGAATATTGGTAGGGGG.
Other names: short protein forms V12fs.
Identifiers: ClinVar variation 1356365 (VCV001356365.6), dbSNP rs2091833124, ClinGen allele CA2320388281.

ClinVar aggregate classification (germline): Pathogenic (1 of 4 stars; one submission).

Submission:

Labcorp Genetics (formerly Invitae), Labcorp
Classification: Pathogenic. Last evaluated: 2022-09-27. Review status: criteria provided, single submitter. Criteria: Invitae Variant Classification Sherloc (09022015). Collection method: clinical testing. Allele origin: germline.
Comment: Algorithms developed to predict the effect of sequence changes on RNA splicing suggest that this variant may create or strengthen a splice site. ClinVar contains an entry for this variant (Variation ID: 1356365). This variant has not been reported in the literature in individuals affected with CLPP-related conditions. This variant is not present in population databases (gnomAD no frequency). This sequence change creates a premature translational stop signal (p.Val12Asnfs*70) in the CLPP gene. It is expected to result in an absent or disrupted protein product. Loss-of-function variants in CLPP are known to be pathogenic (PMID: 23851121, 27899912). For these reasons, this variant has been classified as Pathogenic.

Literature cited by the submitters: PubMed 23851121; PubMed 27899912.